The following is an entry in ClinVar:

ClinVar aggregate classification (germline): Uncertain significance. Review status: criteria provided, multiple submitters, no conflicts (2 of 4 stars). 3 submissions from 3 submitters: Uncertain significance (3). Last evaluated 2025-09-01.

Conditions:
Inborn genetic diseases. Identifiers: MedGen C0950123, MeSH D030342.

Allele frequency attached by ClinVar (database versions not stated): ExAC 0.00012; gnomAD exomes 0.00013.
gnomAD v4.1: 194 of 1,609,076 alleles (0.012%); highest among the groups gnomAD compares: Non-Finnish European, 0.016%; no homozygotes.

Submissions (3):

Ambry Genetics
Classification: Uncertain significance for Inborn genetic diseases. Last evaluated: 2025-09-01. Review status: criteria provided, single submitter. Criteria: Ambry Variant Classification Scheme 2023. Collection method: clinical testing. Allele origin: germline.

Blueprint Genetics
Classification: Uncertain significance. Last evaluated: 2024-04-25. Review status: criteria provided, single submitter. Criteria: ACMG Guidelines, 2015. Collection method: clinical testing. Allele origin: germline.

Labcorp Genetics (formerly Invitae), Labcorp
Classification: Uncertain significance. Last evaluated: 2023-12-07. Review status: criteria provided, single submitter. Criteria: Invitae Variant Classification Sherloc (09022015). Collection method: clinical testing. Allele origin: germline.
Comment: This sequence change replaces histidine, which is basic and polar, with glutamine, which is neutral and polar, at codon 393 of the KCNV2 protein (p.His393Gln). This variant is present in population databases (rs765119911, gnomAD 0.02%). This variant has not been reported in the literature in individuals affected with KCNV2-related conditions. ClinVar contains an entry for this variant (Variation ID: 2195572). Advanced modeling of protein sequence and biophysical properties (such as structural, functional, and spatial information, amino acid conservation, physicochemical variation, residue mobility, and thermodynamic stability) has been performed at Invitae for this missense variant, however the output from this modeling did not meet the statistical confidence thresholds required to predict the impact of this variant on KCNV2 protein function. In summary, the available evidence is currently insufficient to determine the role of this variant in disease. Therefore, it has been classified as a Variant of Uncertain Significance.

NM_133497.4(KCNV2):c.1179C>G (p.His393Gln)

Gene: KCNV2 (potassium voltage-gated channel modifier subfamily V member 2; plus strand). Cytogenetic location: 9p24.2.
Variant type: single nucleotide variant.
Coding change: c.1179C>G on transcript NM_133497.4 (MANE Select); coding-DNA position 1179, C replaced by G.
Protein change: p.His393Gln; replaces histidine 393 with glutamine.
Molecular consequence: missense variant.
Genome position (GRCh38, 1-based): chr9:2,718,918, C>G. VCF-style: chr9-2718918-C-G. GRCh37 (hg19) VCF-style: chr9-2718918-C-G.
Other names: c.1179C>G (NM_133497.3); short protein forms H393Q.
Identifiers: ClinVar variation 2195572 (VCV002195572.6), dbSNP rs765119911, ClinGen allele CA4965805.